The following is an entry in ClinVar:

NM_000051.4(ATM):c.5932G>T (p.Glu1978Ter)

Genes: ATM (ATM serine/threonine kinase; plus strand), C11orf65 (chromosome 11 open reading frame 65; minus strand). Cytogenetic location: 11q22.3.
Variant type: single nucleotide variant.
Coding change: c.5932G>T on transcript NM_000051.4 (MANE Select); coding-DNA position 5932, G replaced by T.
Protein change: p.Glu1978Ter; replaces glutamic acid 1978 with a stop codon.
Molecular consequence: nonsense. On other transcripts: intron variant (2).
Genome position (GRCh38, 1-based): chr11:108,312,424, G>T. VCF-style: chr11-108312424-G-T. GRCh37 (hg19) VCF-style: chr11-108183151-G-T.
Other names: p.E1978*:GAA>TAA; c.5932G>T, p.Glu1978Ter (NM_001351834.2); c.641-3353C>A (NM_001330368.2); c.*39-3353C>A (NM_001351110.2); short protein forms E1978*.
Identifiers: ClinVar variation 127414 (VCV000127414.110), dbSNP rs587779852, ClinGen allele CA286910.
Genomic context (GRCh38, chr11:108,312,424, plus strand): 5'-TCCAAATAGTATGTTCTCATTAAAAGAGGTGTTCTTGTGACAAACAGAAGTCTTGCATTT[G>T]AAGAAGGAAGCCAGAGTACAACTATTTCTAGCTTGAGTGAAAAAAGTAAAGAAGAAACTG-3'

ClinVar aggregate classification (germline): Pathogenic. Review status: criteria provided, multiple submitters, no conflicts (2 of 4 stars). 36 submissions from 36 submitters: Pathogenic (33). 3 of the submissions do not count toward it. Last evaluated 2026-08-31.

Conditions:
ATM-related cancer predisposition. Also called: ATM-related cancer susceptibility. Identifiers: MedGen CN377759, MONDO:0700270.
ATM-related disorder. Also called: ATM-related disorders; ATM-related condition.
Hereditary cancer-predisposing syndrome. Also called: Neoplastic Syndromes, Hereditary; Hereditary Cancer Syndrome; Tumor predisposition; Hereditary neoplastic syndrome. Identifiers: Orphanet 140162, MedGen C0027672, MeSH D009386, MONDO:0015356.
Breast and/or ovarian cancer. Identifiers: MedGen CN221562.
Ataxia-telangiectasia syndrome (AT). Also called: Ataxia-telangiectasia, complementation group D; AT, COMPLEMENTATION GROUP C; Ataxia-telangiectasia; ATAXIA-TELANGIECTASIA, COMPLEMENTATION GROUP A; ATAXIA-TELANGIECTASIA, FRESNO VARIANT; Ataxia-telangiectasia, complementation group E. Identifiers: Orphanet 100, MedGen C0004135, MONDO:0008840, OMIM 208900.
Breast cancer, susceptibility to. Identifiers: MedGen C3469522. Disease mechanism: gain of function.
Familial cancer of breast. Also called: BREAST CANCER, FAMILIAL; hereditary breast carcinoma; Hereditary breast cancer. Identifiers: Orphanet 227535, MedGen C0346153, MONDO:0016419, OMIM 114480. Disease mechanism: loss of function.

Allele frequency attached by ClinVar (database versions not stated): gnomAD exomes 0.00004 and 0.00002; gnomAD 0.00003 and 0.00004; TOPMed 0.00001; ExAC 0.00007.
gnomAD v4.1: 27 of 1,595,290 alleles (0.0017%); highest among the groups gnomAD compares: Non-Finnish European, 0.0022%; no homozygotes.

Submissions 1 to 13 of 36:

PreventionGenetics, part of Exact Sciences
Classification: Pathogenic for ATM-related condition. Last evaluated: 2026-08-31. Review status: criteria provided, single submitter. Criteria: ACMG Guidelines, 2015. Collection method: clinical testing. Allele origin: germline.
Comment: The ATM c.5932G>T variant is predicted to result in premature protein termination (p.Glu1978*). This variant has previously been reported by several studies in individuals with ataxia telangiectasia (Telatar et al 1998. PubMed ID: 9443866; Birrell et al. 2005. PubMed ID: 15880721; Mitui et al. 2005. PubMed ID: 16266405). This variant is also associated with breast cancer susceptibility (Bogdanova et al. 2009. PubMed ID: 18807267). This variant is particularly prevalent in families with a history of ataxia telangiectasia and who are of Eastern European decent (specifically Polish and Russian) (Mitui et al. 2005. PubMed ID: 16266405; Birrell et al. 2005. PubMed ID: 15880721). This variant is reported in 0.0088% of alleles in individuals of European (Non-Finnish) descent in gnomAD and is interpreted as pathogenic in ClinVar (Variation ID: 127414). Nonsense variants in ATM are expected to be pathogenic. This variant is interpreted as pathogenic.

Institute of Human Genetics, University of Leipzig Medical Center
Classification: Pathogenic for Familial cancer of breast. Last evaluated: 2026-07-20. Review status: criteria provided, single submitter. Criteria: ACMG Guidelines, 2015. Collection method: clinical testing. Allele origin: unknown. Inheritance: Autosomal dominant inheritance. Affected: yes.
Comment: Criteria applied: PVS1,PM3_VSTR,PM5_SUP

Labcorp Genetics (formerly Invitae), Labcorp
Classification: Pathogenic for Ataxia-telangiectasia syndrome. Last evaluated: 2026-01-21. Review status: criteria provided, single submitter. Criteria: Invitae Variant Classification Sherloc (09022015). Collection method: clinical testing. Allele origin: germline.
Comment: This sequence change creates a premature translational stop signal (p.Glu1978*) in the ATM gene. It is expected to result in an absent or disrupted protein product. Loss-of-function variants in ATM are known to be pathogenic (PMID: 23807571, 25614872). This variant is present in population databases (rs587779852, gnomAD 0.01%). This premature translational stop signal has been observed in individual(s) with ataxia-telangiectasia and breast cancer (PMID: 15880721, 16266405, 17124347, 18497957, 18807267, 19691550, 25614872). ClinVar contains an entry for this variant (Variation ID: 127414). RNA analysis performed to evaluate the impact of this premature translational stop signal on mRNA splicing indicates it does not significantly alter splicing (internal data). For these reasons, this variant has been classified as Pathogenic.

Center for Genomic Medicine, Rigshospitalet, Copenhagen University Hospital
Classification: Pathogenic. Last evaluated: 2025-12-29. Review status: criteria provided, single submitter. Criteria: ACMG Guidelines, 2015. Collection method: clinical testing. Allele origin: germline.

Color Diagnostics, LLC DBA Color Health
Classification: Pathogenic for Hereditary cancer-predisposing syndrome. Last evaluated: 2025-11-06. Review status: criteria provided, single submitter. Criteria: ACMG Guidelines, 2015. Collection method: clinical testing. Allele origin: germline.
Comment: This variant changes 1 nucleotide in exon 40 of the ATM gene, creating a premature translation stop signal. This variant is expected to result in an absent or non-functional protein product. This variant has shown significant association with breast cancer in meta-analyses of multiple case-control studies (OR: 5.6, 95% CI: 1.3-21.4, p=0.01PMID: 18807267) (OR: 4.56, 95% CI: 1.35-15.42, p=0.015PMID: 21514219). This variant is a common cause of autosomal recessive ataxia-telangiectasia in Eastern Europe (PMID: 10330348, 15880721, 16266405). This variant has been identified in 11/251182 chromosomes in the general population by the Genome Aggregation Database (gnomAD). Loss of ATM function is a known mechanism of disease. Based on the available evidence, this variant is classified as Pathogenic.

Institute of Human Genetics, FAU Erlangen, Friedrich-Alexander-Universität Erlangen-Nürnberg
Classification: Pathogenic. Last evaluated: 2025-08-28. Review status: criteria provided, single submitter. Criteria: Hauer et al. (Genet Med. 2018). Collection method: clinical testing. Allele origin: germline. Inheritance: Unknown mechanism. Affected: yes. Observed: 1 variant allele.
Comment: This variant has been identified by standard clinical testing.

GeneKor MSA
Classification: Pathogenic for Hereditary cancer-predisposing syndrome. Last evaluated: 2025-06-25. Review status: criteria provided, single submitter. Criteria: ACMG Guidelines, 2015. Collection method: clinical testing. Allele origin: germline. Affected: yes.
Comment: This sequence change creates a premature translational stop signal (p.Arg1978*) in the ATM gene. It is expected to result in an absent or disrupted protein product. Loss-of-function variants in ATM are known to be pathogenic (PMID:23807571, 25614872). The mutation database Clinvar contains entries for this variant (VCV000127414.92). This variant has been reported in individuals with ataxia-telangiectasia (A-T) and breast cancer ((PMID:15880721, 16266405, 17124347, 18807267, 19691550, 25614872). Based on the classification criteria set by the ACMG and AMP (PMID:25741868) this variant has been classified as pathogenic.

Dasa
Classification: Pathogenic for ATM-related cancer predisposition. Last evaluated: 2025-05-21. Review status: criteria provided, single submitter. Criteria: DASA Assertion Criteria. Collection method: clinical testing. Allele origin: germline.
Comment: NM_000051.4(ATM):c.5932G>T (p.Glu1978Ter) introduces a premature termination codon predicted to result in loss of normal protein function. Loss-of-function is an established mechanism of disease for this gene. The affected residue or protein region has prior evidence supporting clinical relevance. This variant has been observed in affected individuals with ATM-related cancer predisposition in a genotype context consistent with recessive disease (PMID: 18807267; PMID: 17124347; PMID: 25614872). This variant has been recurrently observed in individuals with ATM-related cancer predisposition (PMID: 18807267; PMID: 17124347; PMID: 25614872). The variant is present at low frequency in population datasets. Based on the available data, this variant is classified as pathogenic.

CeGaT Center for Human Genetics Tuebingen
Classification: Pathogenic. Last evaluated: 2025-05-01. Review status: criteria provided, single submitter. Criteria: CeGaT Center For Human Genetics Tuebingen Variant Classification Criteria Version 2. Collection method: clinical testing. Allele origin: germline. Affected: yes. Observed: 13 variant alleles.
Comment: ATM: PVS1, PM2, PS4:Moderate

Natera, Inc.
Classification: Pathogenic for Ataxia-telangiectasia. Last evaluated: 2025-02-04. Review status: criteria provided, single submitter. Criteria: Natera Variant Classification Schema (03/2026). Collection method: clinical testing. Allele origin: germline.
Comment: The c.5932G>T variant in ATM is a nonsense variant predicted to introduce a stop codon at amino acid 1978. This variant is expected to result in nonsense mediated decay, truncation, or a dysfunctional protein product. This variant is rare in the general population with a frequency below the threshold expected for the associated phenotype(s). This variant has been observed in one or more individuals affected with the associated recessive disease, as either homozygous or compound heterozygous with a second variant (PMID: 30772474). Given the available evidence, this variant is classified as Pathogenic.

Blueprint Genetics
Classification: Pathogenic for ATM-related disorders. Last evaluated: 2024-08-09. Review status: criteria provided, single submitter. Criteria: ACMG Guidelines, 2015. Collection method: clinical testing. Allele origin: germline. Affected: yes. Observed: 5 variant alleles.

Fulgent Genetics
Classification: Pathogenic for Familial cancer of breast; Ataxia-telangiectasia syndrome. Last evaluated: 2024-06-22. Review status: criteria provided, single submitter. Criteria: ACMG Guidelines, 2015. Collection method: clinical testing. Allele origin: germline.

Baylor Genetics
Classification: Pathogenic for Familial cancer of breast. Last evaluated: 2024-02-07. Review status: criteria provided, single submitter. Criteria: ACMG Guidelines, 2015. Collection method: clinical testing. Allele origin: unknown.